The following is an entry in ClinVar:

ClinVar aggregate classification (germline): Likely pathogenic (0 of 4 stars; one submission).

Conditions:
Autosomal recessive congenital ichthyosis 4B (ARCI4B). Also called: Ichthyosis, congenital, autosomal recessive 4B (harlequin); ICHTHYOSIS CONGENITA, HARLEQUIN FETUS TYPE; HARLEQUIN ICHTHYOSIS; Harlequin Fetus. Identifiers: Orphanet 457, MedGen C0598226, MONDO:0009443, OMIM 242500.

Submission:

Foundation for Research in Genetics and Endocrinology, FRIGE's Institute of Human Genetics
Classification: Likely pathogenic for Autosomal recessive congenital ichthyosis 4B. Last evaluated: 2017-04-11. Review status: no assertion criteria provided. Collection method: clinical testing. Allele origin: germline. Inheritance: Autosomal recessive inheritance. Affected: yes. Observed: 1 variant allele, 1 homozygote.
Comment: The observed variant is not reported in 1000 genomes, ExAc and dbSNP databases. The in silico prediction of the variant is damaging by Mutation Taster2 software.

NM_173076.3(ABCA12):c.5939+4A>G

Genes: ABCA12 (ATP binding cassette subfamily A member 12; minus strand), SNHG31 (small nucleolar RNA host gene 31; plus strand). Cytogenetic location: 2q35.
Variant type: single nucleotide variant.
Coding change: c.5939+4A>G on transcript NM_173076.3 (MANE Select); 4 bases into the intron after coding-DNA position 5939, A replaced by G.
Molecular consequence: intron variant.
Genome position (GRCh38, 1-based): chr2:214,959,020, T>C on the plus strand (A>G on the coding strand, the complement: ABCA12 is on the minus strand). VCF-style: chr2-214959020-T-C. GRCh37 (hg19) VCF-style: chr2-215823744-T-C.
Other names: c.4985+4A>G (NM_015657.4).
Identifiers: ClinVar variation 430629 (VCV000430629.2), dbSNP rs1131692156, ClinGen allele CA645372376.